The following is an entry in ClinVar:

ClinVar aggregate classification (germline): Uncertain significance. Review status: criteria provided, multiple submitters, no conflicts (2 of 4 stars). 2 submissions from 2 submitters: Uncertain significance (2). Last evaluated 2021-05-01.

Submissions (2):

Labcorp Genetics (formerly Invitae), Labcorp
Classification: Uncertain significance. Last evaluated: 2021-05-01. Review status: criteria provided, single submitter. Criteria: Invitae Variant Classification Sherloc (09022015). Collection method: clinical testing. Allele origin: germline.
Comment: This sequence change creates a premature translational stop signal (p.Ser1361*) in the TRPM1 gene. While this is not anticipated to result in nonsense mediated decay, it is expected to disrupt the last 243 amino acid(s) of the TRPM1 protein. This variant is not present in population databases (ExAC no frequency). This variant has not been reported in the literature in individuals with TRPM1-related conditions. Experimental studies and prediction algorithms are not available or were not evaluated, and the functional significance of this variant is currently unknown. In summary, the available evidence is currently insufficient to determine the role of this variant in disease. Therefore, it has been classified as a Variant of Uncertain Significance.

Blueprint Genetics
Classification: Uncertain significance. Last evaluated: 2019-06-29. Review status: criteria provided, single submitter. Criteria: ACMG Guidelines, 2015. Collection method: clinical testing. Allele origin: germline.

NM_001252024.2(TRPM1):c.4148_4161del (p.Ile1382_Ser1383insTer)

Gene: TRPM1 (transient receptor potential cation channel subfamily M member 1; minus strand). Cytogenetic location: 15q13.3.
Variant type: Deletion.
Coding change: c.4148_4161del on transcript NM_001252024.2 (MANE Select); coding-DNA positions 4148 to 4161, 14 bases deleted (CAAAGGAAGATGAT).
Protein change: p.Ile1382_Ser1383insTer.
Molecular consequence: nonsense.
Genome position (GRCh38, 1-based): chr15:31,002,539-31,002,552, ATCATCTTCCTTTG deleted on the plus strand (CAAAGGAAGATGAT on the coding strand, the reverse complement: TRPM1 is on the minus strand); deleting any 14 consecutive bases within chr15:31,002,539-31,002,553 gives the same sequence; the c. name uses the placement nearest the transcript's 3' end. VCF-style (leftmost placement, unchanged base first): chr15-31002538-CATCATCTTCCTTTG-C. GRCh37 (hg19) VCF-style: chr15-31294741-CATCATCTTCCTTTG-C.
Other names: c.4199_4212del, p.Ile1399_Ser1400insTer (NM_001252020.2); c.4082_4095del, p.Ile1360_Ser1361insTer (NM_002420.6).
Identifiers: ClinVar variation 1501966 (VCV001501966.4), dbSNP rs2141099789, ClinGen allele CA2573150626.